The following is an entry in ClinVar:

ClinVar aggregate classification (germline): Conflicting classifications of pathogenicity. Review status: criteria provided, conflicting classifications (1 of 4 stars). 2 submissions from 2 submitters: Uncertain significance (1); Likely benign (1). Last evaluated 2025-12-16.

Allele frequency attached by ClinVar (database versions not stated): gnomAD 0.00001; gnomAD exomes 0.00001; TOPMed 0.00001; ExAC 0.00003; 1000 Genomes Project 30x 0.00016; 1000 Genomes Project 0.00020.
gnomAD v4.1: 15 of 1,614,194 alleles (0.00093%); highest among the groups gnomAD compares: Middle Eastern, 0.016%; 1 homozygote.

Submissions (2):

Ambry Genetics
Classification: Likely benign. Last evaluated: 2025-12-16. Review status: criteria provided, single submitter. Criteria: Ambry Variant Classification Scheme 2023. Collection method: clinical testing. Allele origin: germline.

Labcorp Genetics (formerly Invitae), Labcorp
Classification: Uncertain significance. Last evaluated: 2024-06-06. Review status: criteria provided, single submitter. Criteria: Invitae Variant Classification Sherloc (09022015). Collection method: clinical testing. Allele origin: germline.
Comment: This sequence change replaces arginine, which is basic and polar, with glutamine, which is neutral and polar, at codon 1517 of the CEP250 protein (p.Arg1517Gln). This variant is present in population databases (rs114197898, gnomAD 0.004%). This variant has not been reported in the literature in individuals affected with CEP250-related conditions. ClinVar contains an entry for this variant (Variation ID: 2193398). Algorithms developed to predict the effect of missense changes on protein structure and function output the following: SIFT: "Not Available"; PolyPhen-2: "Benign"; Align-GVGD: "Not Available". The glutamine amino acid residue is found in multiple mammalian species, which suggests that this missense change does not adversely affect protein function. In summary, the available evidence is currently insufficient to determine the role of this variant in disease. Therefore, it has been classified as a Variant of Uncertain Significance.

NM_007186.6(CEP250):c.4550G>A (p.Arg1517Gln)

Gene: CEP250 (centrosomal protein 250; plus strand). Cytogenetic location: 20q11.22.
Variant type: single nucleotide variant.
Coding change: c.4550G>A on transcript NM_007186.6 (MANE Select); coding-DNA position 4550, G replaced by A.
Protein change: p.Arg1517Gln; replaces arginine 1517 with glutamine.
Molecular consequence: missense variant.
Genome position (GRCh38, 1-based): chr20:35,502,919, G>A. VCF-style: chr20-35502919-G-A. GRCh37 (hg19) VCF-style: chr20-34090747-G-A.
Other names: c.4550G>A (NM_007186.3); c.2654G>A, p.Arg885Gln (NM_001318219.1); short protein forms R1517Q, R885Q.
Identifiers: ClinVar variation 2193398 (VCV002193398.5), dbSNP rs114197898, ClinGen allele CA9833737.